The following is an entry in ClinVar:

NM_001042492.3(NF1):c.5439G>T (p.Met1813Ile)

Gene: NF1 (neurofibromin 1; plus strand). Cytogenetic location: 17q11.2.
Variant type: single nucleotide variant.
Coding change: c.5439G>T on transcript NM_001042492.3 (MANE Select); coding-DNA position 5439, G replaced by T.
Protein change: p.Met1813Ile; replaces methionine 1813 with isoleucine.
Molecular consequence: missense variant.
Genome position (GRCh38, 1-based): chr17:31,327,669, G>T. VCF-style: chr17-31327669-G-T. GRCh37 (hg19) VCF-style: chr17-29654687-G-T.
Other names: c.5376G>T, p.Met1792Ile (NM_000267.4); short protein forms M1792I, M1813I.
Identifiers: ClinVar variation 2705996 (VCV002705996.3), dbSNP rs1350431265, ClinGen allele CA399009442.

ClinVar aggregate classification (germline): Uncertain significance (1 of 4 stars; one submission).

Conditions:
Neurofibromatosis, type 1 (NF1). Also called: Peripheral type neurofibromatosis; VON RECKLINGHAUSEN DISEASE; NEUROFIBROMATOSIS, TYPE I, SOMATIC; Neurofibromatosis, type I. Identifiers: Orphanet 636, MedGen C0027831, MONDO:0018975, OMIM 162200. Disease mechanism: loss of function.

Submission:

Labcorp Genetics (formerly Invitae), Labcorp
Classification: Uncertain significance for Neurofibromatosis, type 1. Last evaluated: 2023-12-28. Review status: criteria provided, single submitter. Criteria: Invitae Variant Classification Sherloc (09022015). Collection method: clinical testing. Allele origin: germline.
Comment: This sequence change replaces methionine, which is neutral and non-polar, with isoleucine, which is neutral and non-polar, at codon 1792 of the NF1 protein (p.Met1792Ile). This variant is not present in population databases (gnomAD no frequency). This variant has not been reported in the literature in individuals affected with NF1-related conditions. Advanced modeling of protein sequence and biophysical properties (such as structural, functional, and spatial information, amino acid conservation, physicochemical variation, residue mobility, and thermodynamic stability) performed at Invitae indicates that this missense variant is not expected to disrupt NF1 protein function with a negative predictive value of 95%. In summary, the available evidence is currently insufficient to determine the role of this variant in disease. Therefore, it has been classified as a Variant of Uncertain Significance.